The following is an entry in ClinVar:

ClinVar aggregate classification (germline): Uncertain significance. Review status: criteria provided, multiple submitters, no conflicts (2 of 4 stars). 4 submissions from 4 submitters: Uncertain significance (4). Last evaluated 2025-12-12.

Conditions:
Endometrial carcinoma. Also called: Endometrial carcinoma, somatic. Identifiers: MedGen C0476089, MONDO:0002447, OMIM 608089, HP:0012114.
Familial adenomatous polyposis 4 (FAP4). Also called: MSH3-related attenuated familial adenomatous polyposis. Identifiers: Orphanet 480536, MedGen C4310719, MONDO:0044300, OMIM 617100.
Hereditary cancer-predisposing syndrome. Also called: Hereditary neoplastic syndrome; Tumor predisposition; Neoplastic Syndromes, Hereditary; Hereditary Cancer Syndrome. Identifiers: Orphanet 140162, MedGen C0027672, MeSH D009386, MONDO:0015356.

Allele frequency attached by ClinVar (database versions not stated): gnomAD exomes below 0.00001 and 0.00002; TOPMed below 0.00001; gnomAD 0.00001.
gnomAD v4.1: 7 of 1,612,964 alleles (0.00043%); highest among the groups gnomAD compares: South Asian, 0.0022%; no homozygotes.

Submissions (4):

Labcorp Genetics (formerly Invitae), Labcorp
Classification: Uncertain significance. Last evaluated: 2025-12-12. Review status: criteria provided, single submitter. Criteria: Invitae Variant Classification Sherloc (09022015). Collection method: clinical testing. Allele origin: germline.
Comment: This sequence change replaces threonine, which is neutral and polar, with isoleucine, which is neutral and non-polar, at codon 556 of the MSH3 protein (p.Thr556Ile). This variant is present in population databases (no rsID available, gnomAD 0.003%). This variant has not been reported in the literature in individuals affected with MSH3-related conditions. ClinVar contains an entry for this variant (Variation ID: 953889). An algorithm developed to predict the effect of missense changes on protein structure and function (PolyPhen-2) suggests that this variant is likely to be disruptive. In summary, the available evidence is currently insufficient to determine the role of this variant in disease. Therefore, it has been classified as a Variant of Uncertain Significance.

Fulgent Genetics
Classification: Uncertain significance for Endometrial carcinoma; Familial adenomatous polyposis 4. Last evaluated: 2024-05-14. Review status: criteria provided, single submitter. Criteria: ACMG Guidelines, 2015. Collection method: clinical testing. Allele origin: germline.

Ambry Genetics
Classification: Uncertain significance for Hereditary cancer-predisposing syndrome. Last evaluated: 2023-12-15. Review status: criteria provided, single submitter. Criteria: Ambry Variant Classification Scheme 2023. Collection method: clinical testing. Allele origin: germline.
Comment: The p.T556I variant (also known as c.1667C>T), located in coding exon 12 of the MSH3 gene, results from a C to T substitution at nucleotide position 1667. The threonine at codon 556 is replaced by isoleucine, an amino acid with similar properties. This amino acid position is well conserved in available vertebrate species. In addition, this alteration is predicted to be tolerated by in silico analysis. Since supporting evidence is limited at this time, the clinical significance of this alteration remains unclear.

Baylor Genetics
Classification: Uncertain significance for Endometrial carcinoma. Last evaluated: 2023-10-20. Review status: criteria provided, single submitter. Criteria: ACMG Guidelines, 2015. Collection method: clinical testing. Allele origin: unknown.

NM_002439.5(MSH3):c.1667C>T (p.Thr556Ile)

Gene: MSH3 (mutS homolog 3; plus strand). Cytogenetic location: 5q14.1.
Variant type: single nucleotide variant.
Coding change: c.1667C>T on transcript NM_002439.5 (MANE Select); coding-DNA position 1667, C replaced by T.
Protein change: p.Thr556Ile; replaces threonine 556 with isoleucine.
Molecular consequence: missense variant.
Genome position (GRCh38, 1-based): chr5:80,744,519, C>T. VCF-style: chr5-80744519-C-T. GRCh37 (hg19) VCF-style: chr5-80040338-C-T.
Other names: short protein forms T556I.
Identifiers: ClinVar variation 953889 (VCV000953889.12), dbSNP rs1199212284, ClinGen allele CA360274649.